The following is an entry in ClinVar:

NM_138713.4(NFAT5):c.3158A>G (p.Asn1053Ser)

Gene: NFAT5 (nuclear factor of activated T cells 5; plus strand). Cytogenetic location: 16q22.1.
Variant type: single nucleotide variant.
Coding change: c.3158A>G on transcript NM_138713.4 (MANE Select); coding-DNA position 3158, A replaced by G.
Protein change: p.Asn1053Ser; replaces asparagine 1053 with serine.
Molecular consequence: missense variant.
Genome position (GRCh38, 1-based): chr16:69,692,983, A>G. VCF-style: chr16-69692983-A-G. GRCh37 (hg19) VCF-style: chr16-69726886-A-G.
Other names: c.3158A>G, p.Asn1053Ser (LRG_1332t1); c.3155A>G, p.Asn1052Ser (NM_001113178.3); c.2483A>G, p.Asn828Ser (NM_001367709.1); c.3104A>G, p.Asn1035Ser (NM_006599.4); c.2876A>G, p.Asn959Ser (NM_138714.4, NM_173214.3, NM_173215.3); c.3158A>G (NM_138713.3); short protein forms N828S, N1053S, N1035S, N1052S, N959S.
Identifiers: ClinVar variation 655653 (VCV000655653.9), dbSNP rs200419455, ClinGen allele CA8135855.
Genomic context (GRCh38, chr16:69,692,983, plus strand): 5'-GGGACAATCAACCTCAAGTTAACCTTTTTTCATCCACAAAAAGTATGATGAGTGTTCAGA[A>G]TAGTGGTACCCAACAACAAGGTAATGGTTTATTCCAGCAAGGGAATGAGATGATGTCACT-3'
Protein context (NP_619727.2, residues 1043-1063): SSTKSMMSVQ[Asn1053Ser]SGTQQQGNGL

ClinVar aggregate classification (germline): Uncertain significance. Review status: criteria provided, multiple submitters, no conflicts (2 of 4 stars). 2 submissions from 2 submitters: Uncertain significance (2). Last evaluated 2025-08-25.

Conditions:
Immunodeficiency. Identifiers: MedGen C0021051, MONDO:0021094, HP:0002721.

Allele frequency attached by ClinVar (database versions not stated): ExAC 0.00002; gnomAD 0.00002; gnomAD exomes 0.00002 and 0.00008; TOPMed 0.00002.
gnomAD v4.1: 112 of 1,614,088 alleles (0.0069%); highest among the groups gnomAD compares: Non-Finnish European, 0.0089%; no homozygotes.

Submissions (2):

Ambry Genetics
Classification: Uncertain significance. Last evaluated: 2025-08-25. Review status: criteria provided, single submitter. Criteria: Ambry Variant Classification Scheme 2023. Collection method: clinical testing. Allele origin: germline.

Labcorp Genetics (formerly Invitae), Labcorp
Classification: Uncertain significance for Immunodeficiency. Last evaluated: 2025-03-06. Review status: criteria provided, single submitter. Criteria: Invitae Variant Classification Sherloc (09022015). Collection method: clinical testing. Allele origin: germline.
Comment: This sequence change replaces asparagine, which is neutral and polar, with serine, which is neutral and polar, at codon 959 of the NFAT5 protein (p.Asn959Ser). This variant is present in population databases (rs200419455, gnomAD 0.003%). This variant has not been reported in the literature in individuals affected with NFAT5-related conditions. ClinVar contains an entry for this variant (Variation ID: 655653). An algorithm developed to predict the effect of missense changes on protein structure and function outputs the following: PolyPhen-2: "Benign". The serine amino acid residue is found in multiple mammalian species, which suggests that this missense change does not adversely affect protein function. In summary, the available evidence is currently insufficient to determine the role of this variant in disease. Therefore, it has been classified as a Variant of Uncertain Significance.